The following is an entry in ClinVar:

ClinVar aggregate classification (germline): Likely benign. Review status: criteria provided, multiple submitters, no conflicts (2 of 4 stars). 2 submissions from 2 submitters: Likely benign (2). Last evaluated 2026-09-01.

Conditions:
Familial temporal lobe epilepsy 7. Identifiers: Orphanet 101046, MedGen C4225327, MONDO:0014639, OMIM 616436.
Norman-Roberts syndrome (LIS2). Also called: Lissencephaly 2 (Norman-Roberts type). Identifiers: Orphanet 89844, MedGen C0796089, MONDO:0009760, OMIM 257320.

gnomAD v4.1: 5 of 1,614,172 alleles (0.00031%); highest among the groups gnomAD compares: Admixed American, 0.0017%; no homozygotes.

Submissions (2):

CeGaT Center for Human Genetics Tuebingen
Classification: Likely benign. Last evaluated: 2026-09-01. Review status: criteria provided, single submitter. Criteria: CeGaT Center For Human Genetics Tuebingen Variant Classification Criteria Version 2. Collection method: clinical testing. Allele origin: germline. Affected: yes. Observed: 1 variant allele.
Comment: RELN: BP4, BP7

Labcorp Genetics (formerly Invitae), Labcorp
Classification: Likely benign for Familial temporal lobe epilepsy 7; Norman-Roberts syndrome. Last evaluated: 2025-06-17. Review status: criteria provided, single submitter. Criteria: Invitae Variant Classification Sherloc (09022015). Collection method: clinical testing. Allele origin: germline.

NM_005045.4(RELN):c.8439T>A (p.Thr2813=)

Genes: RELN (reelin; minus strand), SLC26A5-AS1 (SLC26A5 antisense RNA 1; plus strand). Cytogenetic location: 7q22.1.
Variant type: single nucleotide variant.
Coding change: c.8439T>A on transcript NM_005045.4 (MANE Select); coding-DNA position 8439, T replaced by A.
Protein change: p.Thr2813=; no amino-acid change (threonine 2813 retained).
Molecular consequence: synonymous variant.
Genome position (GRCh38, 1-based): chr7:103,503,066, A>T on the plus strand (T>A on the coding strand, the complement: RELN is on the minus strand). VCF-style: chr7-103503066-A-T. GRCh37 (hg19) VCF-style: chr7-103143513-A-T.
Other names: c.8439T>A, p.Thr2813= (NM_173054.3).
Identifiers: ClinVar variation 3752503 (VCV003752503.3).
Genomic context (GRCh38, chr7:103,503,066, plus strand): 5'-TTCTACTTACTTTCCCACTAAGCTTTCAGGAAGTGGGTAGGTGATCCTTTTCCACCCTTT[A>T]GTTGGAAAGAATACAGATGGCTGAGAAACACTTCCAGAGCATTTTGGGTCAGCAGGCAAG-3'
Protein context (NP_005036.2, residues 2803-2823): SVSQPSVFFP[Thr2813=]KGWKRITYPL